The following is an entry in ClinVar:

NM_001733.7(C1R):c.1337G>C (p.Arg446Pro)

Gene: C1R (complement C1r; minus strand). Cytogenetic location: 12p13.31.
Variant type: single nucleotide variant.
Coding change: c.1337G>C on transcript NM_001733.7 (MANE Select); coding-DNA position 1337, G replaced by C.
Protein change: p.Arg446Pro; replaces arginine 446 with proline.
Molecular consequence: missense variant.
Genome position (GRCh38, 1-based): chr12:7,082,043, C>G on the plus strand (G>C on the coding strand, the complement: C1R is on the minus strand). VCF-style: chr12-7082043-C-G. GRCh37 (hg19) VCF-style: chr12-7189347-C-G.
Other names: c.1379G>C, p.Arg460Pro (NM_001354346.2); short protein forms R446P, R460P.
Identifiers: ClinVar variation 4085130 (VCV004085130.8).

ClinVar aggregate classification (germline): Likely benign (1 of 4 stars; one submission).

Submission:

CeGaT Center for Human Genetics Tuebingen
Classification: Likely benign. Last evaluated: 2025-05-01. Review status: criteria provided, single submitter. Criteria: CeGaT Center For Human Genetics Tuebingen Variant Classification Criteria Version 2. Collection method: clinical testing. Allele origin: germline. Affected: yes. Observed: 1 variant allele.
Comment: C1R: BP4